The following is an entry in ClinVar:

NM_001482.3(GATM):c.778C>A (p.Arg260=)

Gene: GATM (glycine amidinotransferase; minus strand). Cytogenetic location: 15q21.1.
Variant type: single nucleotide variant.
Coding change: c.778C>A on transcript NM_001482.3 (MANE Select); coding-DNA position 778, C replaced by A.
Protein change: p.Arg260=; no amino-acid change (arginine 260 retained).
Molecular consequence: synonymous variant.
Genome position (GRCh38, 1-based): chr15:45,366,406, G>T on the plus strand (C>A on the coding strand, the complement: GATM is on the minus strand). VCF-style: chr15-45366406-G-T. GRCh37 (hg19) VCF-style: chr15-45658604-G-T.
Other names: c.391C>A, p.Arg131= (NM_001321015.2).
Identifiers: ClinVar variation 2905912 (VCV002905912.3), dbSNP rs775933965, ClinGen allele CA490334326.

ClinVar aggregate classification (germline): Uncertain significance (1 of 4 stars; one submission).

Conditions:
Arginine:glycine amidinotransferase deficiency (CCDS3). Also called: AGAT deficiency; Creatine deficiency syndrome due to AGAT deficiency; GATM deficiency; L-Arginine:Glycine Amidinotransferase (AGAT) Deficiency; L-Arginine:Glycine Amidinotransferase Deficiency; Cerebral creatine deficiency syndrome 3. Identifiers: Orphanet 35704, MedGen C2675179, MONDO:0012996, OMIM 612718.

Submission:

Labcorp Genetics (formerly Invitae), Labcorp
Classification: Uncertain significance for Arginine:glycine amidinotransferase deficiency. Last evaluated: 2024-01-29. Review status: criteria provided, single submitter. Criteria: Invitae Variant Classification Sherloc (09022015). Collection method: clinical testing. Allele origin: germline.
Comment: This sequence change affects codon 260 of the GATM mRNA. It is a 'silent' change, meaning that it does not change the encoded amino acid sequence of the GATM protein. This variant is not present in population databases (gnomAD no frequency). This variant has not been reported in the literature in individuals affected with GATM-related conditions. Algorithms developed to predict the effect of sequence changes on RNA splicing suggest that this variant may disrupt the consensus splice site. In summary, the available evidence is currently insufficient to determine the role of this variant in disease. Therefore, it has been classified as a Variant of Uncertain Significance.